The following is an entry in ClinVar:

ClinVar aggregate classification (germline): Uncertain significance. Review status: criteria provided, multiple submitters, no conflicts (2 of 4 stars). 2 submissions from 2 submitters: Uncertain significance (2). Last evaluated 2025-08-24.

Conditions:
Inborn genetic diseases. Identifiers: MedGen C0950123, MeSH D030342.
Myopathy, proximal, and ophthalmoplegia (CMYO6). Also called: MYOPATHY WITH CONGENITAL JOINT CONTRACTURES, OPHTHALMOPLEGIA, AND RIMMED VACUOLES; INCLUSION BODY MYOPATHY 3, AUTOSOMAL DOMINANT; CONGENITAL MYOPATHY 6 WITH OPHTHALMOPLEGIA. Identifiers: Orphanet 363677, Orphanet 79091, MedGen C1854106, MONDO:0011577, OMIM 605637.

Allele frequency attached by ClinVar (database versions not stated): gnomAD exomes 0.00001.
gnomAD v4.1: 7 of 1,610,526 alleles (0.00043%); highest among the groups gnomAD compares: South Asian, 0.0022%; no homozygotes.

Submissions (2):

Labcorp Genetics (formerly Invitae), Labcorp
Classification: Uncertain significance for Myopathy, proximal, and ophthalmoplegia. Last evaluated: 2025-08-24. Review status: criteria provided, single submitter. Criteria: Invitae Variant Classification Sherloc (09022015). Collection method: clinical testing. Allele origin: germline.
Comment: This sequence change replaces threonine, which is neutral and polar, with methionine, which is neutral and non-polar, at codon 308 of the MYH2 protein (p.Thr308Met). This variant is not present in population databases (gnomAD no frequency). This variant has not been reported in the literature in individuals affected with MYH2-related conditions. ClinVar contains an entry for this variant (Variation ID: 950303). An algorithm developed to predict the effect of missense changes on protein structure and function (PolyPhen-2) suggests that this variant is likely to be disruptive. In summary, the available evidence is currently insufficient to determine the role of this variant in disease. Therefore, it has been classified as a Variant of Uncertain Significance.

Ambry Genetics
Classification: Uncertain significance for Inborn genetic diseases. Last evaluated: 2023-11-21. Review status: criteria provided, single submitter. Criteria: Ambry Variant Classification Scheme 2023. Collection method: clinical testing. Allele origin: germline.

NM_017534.6(MYH2):c.923C>T (p.Thr308Met)

Genes: MYH2 (myosin heavy chain 2; minus strand), MYHAS (myosin heavy chain gene cluster antisense RNA; plus strand). Cytogenetic location: 17p13.1.
Variant type: single nucleotide variant.
Coding change: c.923C>T on transcript NM_017534.6 (MANE Select); coding-DNA position 923, C replaced by T.
Protein change: p.Thr308Met; replaces threonine 308 with methionine.
Molecular consequence: missense variant.
Genome position (GRCh38, 1-based): chr17:10,540,679, G>A on the plus strand (C>T on the coding strand, the complement: MYH2 is on the minus strand). VCF-style: chr17-10540679-G-A. GRCh37 (hg19) VCF-style: chr17-10443996-G-A.
Other names: c.923C>T, p.Thr308Met (NM_001100112.2); short protein forms T308M.
Identifiers: ClinVar variation 950303 (VCV000950303.5), dbSNP rs2073541339, ClinGen allele CA398164533.